The following is an entry in ClinVar:

ClinVar aggregate classification (germline): Uncertain significance (1 of 4 stars; one submission).

Conditions:
Immunodeficiency, common variable, 10. Also called: IMMUNODEFICIENCY, COMMON VARIABLE, WITH CENTRAL ADRENAL INSUFFICIENCY; DEFICIT IN ANTERIOR PITUITARY FUNCTION AND VARIABLE IMMUNODEFICIENCY. Identifiers: MedGen C3809991, MONDO:0014260, OMIM 615577.

Allele frequency attached by ClinVar (database versions not stated): TOPMed below 0.00001; gnomAD 0.00001; gnomAD exomes 0.00001.
gnomAD v4.1: 12 of 1,613,568 alleles (0.00074%); highest among the groups gnomAD compares: Admixed American, 0.005%; no homozygotes.

Submission:

Labcorp Genetics (formerly Invitae), Labcorp
Classification: Uncertain significance for Immunodeficiency, common variable, 10. Last evaluated: 2022-05-20. Review status: criteria provided, single submitter. Criteria: Invitae Variant Classification Sherloc (09022015). Collection method: clinical testing. Allele origin: germline.
Comment: In summary, the available evidence is currently insufficient to determine the role of this variant in disease. Therefore, it has been classified as a Variant of Uncertain Significance. Algorithms developed to predict the effect of missense changes on protein structure and function are either unavailable or do not agree on the potential impact of this missense change (SIFT: "Deleterious"; PolyPhen-2: "Benign"; Align-GVGD: "Class C0"). This variant has not been reported in the literature in individuals affected with NFKB2-related conditions. This variant is present in population databases (no rsID available, gnomAD 0.003%). This sequence change replaces arginine, which is basic and polar, with cysteine, which is neutral and slightly polar, at codon 103 of the NFKB2 protein (p.Arg103Cys).

NM_001322934.2(NFKB2):c.307C>T (p.Arg103Cys)

Gene: NFKB2 (nuclear factor kappa B subunit 2; plus strand). Cytogenetic location: 10q24.32.
Variant type: single nucleotide variant.
Coding change: c.307C>T on transcript NM_001322934.2 (MANE Select); coding-DNA position 307, C replaced by T.
Protein change: p.Arg103Cys; replaces arginine 103 with cysteine.
Molecular consequence: missense variant.
Genome position (GRCh38, 1-based): chr10:102,396,967, C>T. VCF-style: chr10-102396967-C-T. GRCh37 (hg19) VCF-style: chr10-104156724-C-T.
Other names: c.307C>T, p.Arg103Cys (NM_001077493.1, NM_001077494.3, NM_001261403.3 and 3 more transcripts); short protein forms R103C.
Identifiers: ClinVar variation 2120240 (VCV002120240.4), dbSNP rs1413174692, ClinGen allele CA377896398.